The following is an entry in ClinVar:

NM_198578.4(LRRK2):c.4688A>G (p.Gln1563Arg)

Gene: LRRK2 (leucine rich repeat kinase 2; plus strand). Cytogenetic location: 12q12.
Variant type: single nucleotide variant.
Coding change: c.4688A>G on transcript NM_198578.4 (MANE Select); coding-DNA position 4688, A replaced by G.
Protein change: p.Gln1563Arg; replaces glutamine 1563 with arginine.
Molecular consequence: missense variant.
Genome position (GRCh38, 1-based): chr12:40,314,123, A>G. VCF-style: chr12-40314123-A-G. GRCh37 (hg19) VCF-style: chr12-40707925-A-G.
Other names: short protein forms Q1563R.
Identifiers: ClinVar variation 2489580 (VCV002489580.2), dbSNP rs1252578412, ClinGen allele CA384419054.

ClinVar aggregate classification (germline): Uncertain significance (1 of 4 stars; one submission).

Conditions:
Inborn genetic diseases. Identifiers: MedGen C0950123, MeSH D030342.

Allele frequency attached by ClinVar (database versions not stated): gnomAD exomes below 0.00001; TOPMed below 0.00001; gnomAD 0.00001.
gnomAD v4.1: 6 of 1,612,592 alleles (0.00037%); highest among the groups gnomAD compares: African/African-American, 0.0027%; no homozygotes.

Submission:

Ambry Genetics
Classification: Uncertain significance for Inborn genetic diseases. Last evaluated: 2023-01-22. Review status: criteria provided, single submitter. Criteria: Ambry Variant Classification Scheme 2023. Collection method: clinical testing. Allele origin: germline.
Comment: The p.Q1563R variant (also known as c.4688A>G), located in coding exon 32 of the LRRK2 gene, results from an A to G substitution at nucleotide position 4688. The glutamine at codon 1563 is replaced by arginine, an amino acid with highly similar properties. This amino acid position is conserved. In addition, the in silico prediction for this alteration is inconclusive. Since supporting evidence is limited at this time, the clinical significance of this alteration remains unclear.